The following is an entry in ClinVar:

NM_003000.3(SDHB):c.831del (p.Ala278fs)

Gene: SDHB (succinate dehydrogenase complex iron sulfur subunit B; minus strand). Cytogenetic location: 1p36.13.
Variant type: Deletion.
Coding change: c.831del on transcript NM_003000.3 (MANE Select); coding-DNA position 831, one base deleted (A; older notation c.831delA).
Protein change: p.Ala278fs; shifts the reading frame from alanine 278.
Molecular consequence: frameshift variant.
Genome position (GRCh38, 1-based): chr1:17,018,893, T deleted on the plus strand (A on the coding strand, the reverse complement: SDHB is on the minus strand); the first of 3 consecutive T bases (chr1:17,018,893-17,018,895); deleting any one gives the same sequence. VCF-style (leftmost placement, unchanged base first): chr1-17018892-CT-C. GRCh37 (hg19) VCF-style: chr1-17345387-CT-C.
Other names: c.831delA (NM_003000.2); short protein forms A278fs.
Identifiers: ClinVar variation 1399652 (VCV001399652.8), dbSNP rs2101508099, ClinGen allele CA2573130748.

ClinVar aggregate classification (germline): Uncertain significance. Review status: criteria provided, multiple submitters, no conflicts (2 of 4 stars). 2 submissions from 2 submitters: Uncertain significance (2). Last evaluated 2025-07-16.

Conditions:
Pheochromocytoma. Also called: MAX-Related Hereditary Paraganglioma-Pheochromocytoma Syndrome. Identifiers: Orphanet 29072, MedGen C0031511, MONDO:0008233, OMIM 171300, HP:0002666.
Pheochromocytoma/paraganglioma syndrome 4. Also called: CAROTID BODY TUMORS AND MULTIPLE EXTRAADRENAL PHEOCHROMOCYTOMAS; PARAGANGLIOMA, FAMILIAL MALIGNANT; PARAGANGLIOMAS, HEREDITARY EXTRAADRENAL; PHEOCHROMOCYTOMA, FAMILIAL EXTRAADRENAL; Paragangliomas 4; SDHB-Related Hereditary Paraganglioma-Pheochromocytoma Syndrome (Paragangliomas 4). Identifiers: Orphanet 29072, MedGen C1861848, MONDO:0007273, OMIM 115310.
Gastrointestinal stromal tumor. Also called: Gastrointestinal stroma tumor; Gastrointestinal stromal tumor, somatic. Identifiers: Orphanet 44890, MedGen C0238198, MeSH D046152, MONDO:0011719, OMIM 606764, HP:0100723.
Hereditary cancer-predisposing syndrome. Also called: Tumor predisposition; Hereditary Cancer Syndrome; Hereditary neoplastic syndrome; Neoplastic Syndromes, Hereditary. Identifiers: Orphanet 140162, MedGen C0027672, MeSH D009386, MONDO:0015356.

Submissions (2):

Labcorp Genetics (formerly Invitae), Labcorp
Classification: Uncertain significance for Gastrointestinal stromal tumor; Pheochromocytoma/paraganglioma syndrome 4; Pheochromocytoma. Last evaluated: 2025-07-16. Review status: criteria provided, single submitter. Criteria: Invitae Variant Classification Sherloc (09022015). Collection method: clinical testing. Allele origin: germline.
Comment: This sequence change is expected to alter the c-terminus of the SDHB protein (p.Ala278Leufs*13). While this is not anticipated to result in nonsense mediated decay, it is expected to disrupt the last 3 amino acid(s) of the SDHB protein and extend the protein by 9 additional amino acid residues. This variant is not present in population databases (gnomAD no frequency). This variant has not been reported in the literature in individuals affected with SDHB-related conditions. ClinVar contains an entry for this variant (Variation ID: 1399652). In summary, the available evidence is currently insufficient to determine the role of this variant in disease. Therefore, it has been classified as a Variant of Uncertain Significance.

Ambry Genetics
Classification: Uncertain significance for Hereditary cancer-predisposing syndrome. Last evaluated: 2023-04-18. Review status: criteria provided, single submitter. Criteria: Ambry Variant Classification Scheme 2023. Collection method: clinical testing. Allele origin: germline.
Comment: The c.831delA variant, located in coding exon 8 of the SDHB gene, results from a deletion of one nucleotide at nucleotide position 831, causing a translational frameshift with a predicted alternate stop codon (p.A278Lfs*13). This alteration occurs at the 3' terminus of theSDHB gene, is not expected to trigger nonsense-mediated mRNAdecay and results in the elongation of the protein by 9 amino acids. This frameshift impacts the last 3amino acids of the native protein. The exact functional effect of the altered amino acids is unknown. Since supporting evidence is limited at this time, the clinical significance of this alteration remains unclear.